The following is an entry in ClinVar:

NM_005245.4(FAT1):c.10498T>A (p.Ser3500Thr)

Gene: FAT1 (FAT atypical cadherin 1; minus strand). Cytogenetic location: 4q35.2.
Variant type: single nucleotide variant.
Coding change: c.10498T>A on transcript NM_005245.4 (MANE Select); coding-DNA position 10498, T replaced by A.
Protein change: p.Ser3500Thr; replaces serine 3500 with threonine.
Molecular consequence: missense variant.
Genome position (GRCh38, 1-based): chr4:186,604,427, A>T on the plus strand (T>A on the coding strand, the complement: FAT1 is on the minus strand). VCF-style: chr4-186604427-A-T. GRCh37 (hg19) VCF-style: chr4-187525581-A-T.
Other names: short protein forms S3500T.
Identifiers: ClinVar variation 2379597 (VCV002379597.5), dbSNP rs373140687, ClinGen allele CA3165344.

ClinVar aggregate classification (germline): Uncertain significance. Review status: criteria provided, multiple submitters, no conflicts (2 of 4 stars). 3 submissions from 3 submitters: Uncertain significance (3). Last evaluated 2024-05-28.

Conditions:
Inborn genetic diseases. Identifiers: MedGen C0950123, MeSH D030342.
FAT1-related disorder. Also called: FAT1-related condition.

Allele frequency attached by ClinVar (database versions not stated): ESP Exome Variant Server 0.00008; TOPMed 0.00014; gnomAD 0.00018.
gnomAD v4.1: 358 of 1,613,758 alleles (0.022%); highest among the groups gnomAD compares: Middle Eastern, 0.066%; no homozygotes.

Submissions (3):

Ambry Genetics
Classification: Uncertain significance for Inborn genetic diseases. Last evaluated: 2024-05-28. Review status: criteria provided, single submitter. Criteria: Ambry Variant Classification Scheme 2023. Collection method: clinical testing. Allele origin: germline.

GeneDx
Classification: Uncertain significance. Last evaluated: 2023-06-16. Review status: criteria provided, single submitter. Criteria: GeneDx Variant Classification Process June 2021. Collection method: clinical testing. Allele origin: germline. Affected: yes.
Comment: In silico analysis supports that this missense variant does not alter protein structure/function; Has not been previously published as pathogenic or benign to our knowledge

PreventionGenetics, part of Exact Sciences
Classification: Uncertain significance for FAT1-related condition. Last evaluated: 2022-12-20. Review status: criteria provided, single submitter. Criteria: ACMG Guidelines, 2015. Collection method: clinical testing. Allele origin: germline.
Comment: The FAT1 c.10498T>A variant is predicted to result in the amino acid substitution p.Ser3500Thr. To our knowledge, this variant has not been reported in the literature. This variant is reported in 0.030% of alleles in individuals of European (Non-Finnish) descent in gnomAD. At this time, the clinical significance of this variant is uncertain due to the absence of conclusive functional and genetic evidence.